The following is an entry in ClinVar:

ClinVar aggregate classification (germline): Uncertain significance. Review status: criteria provided, multiple submitters, no conflicts (2 of 4 stars). 2 submissions from 2 submitters: Uncertain significance (2). Last evaluated 2024-06-03.

Allele frequency attached by ClinVar (database versions not stated): gnomAD 0.00001; TOPMed 0.00001; gnomAD exomes 0.00002; ExAC 0.00007.
gnomAD v4.1: 13 of 1,598,194 alleles (0.00081%); highest among the groups gnomAD compares: Non-Finnish European, 0.00094%; no homozygotes.

Submissions (2):

Labcorp Genetics (formerly Invitae), Labcorp
Classification: Uncertain significance. Last evaluated: 2024-06-03. Review status: criteria provided, single submitter. Criteria: Invitae Variant Classification Sherloc (09022015). Collection method: clinical testing. Allele origin: germline.
Comment: This sequence change replaces histidine, which is basic and polar, with tyrosine, which is neutral and polar, at codon 122 of the ARHGEF18 protein (p.His122Tyr). This variant is present in population databases (rs761625814, gnomAD 0.004%). This variant has not been reported in the literature in individuals affected with ARHGEF18-related conditions. ClinVar contains an entry for this variant (Variation ID: 1040657). An algorithm developed to predict the effect of missense changes on protein structure and function (PolyPhen-2) suggests that this variant¬†is likely to be tolerated. In summary, the available evidence is currently insufficient to determine the role of this variant in disease. Therefore, it has been classified as a Variant of Uncertain Significance.

Blueprint Genetics
Classification: Uncertain significance. Last evaluated: 2021-03-12. Review status: criteria provided, single submitter. Criteria: ACMG Guidelines, 2015. Collection method: clinical testing. Allele origin: germline.

NM_001367823.1(ARHGEF18):c.968-40C>T

Gene: ARHGEF18 (Rho/Rac guanine nucleotide exchange factor 18; plus strand). Cytogenetic location: 19p13.2.
Variant type: single nucleotide variant.
Coding change: c.968-40C>T on transcript NM_001367823.1 (MANE Select); 40 bases into the intron before coding-DNA position 968, C replaced by T.
Molecular consequence: intron variant. On other transcripts: missense variant (1), 5 prime UTR variant (1).
Genome position (GRCh38, 1-based): chr19:7,440,304, C>T. VCF-style: chr19-7440304-C-T. GRCh37 (hg19) VCF-style: chr19-7505190-C-T.
Other names: c.202C>T, p.His68Tyr (NM_001130955.2); c.-111C>T (NM_001367824.1); c.-71-40C>T (NM_015318.4); short protein forms H68Y.
Identifiers: ClinVar variation 1040657 (VCV001040657.6), dbSNP rs761625814, ClinGen allele CA9136305.
Genomic context (GRCh38, chr19:7,440,304, plus strand): 5'-TCTGTGCTGCGGCCGCAGTCGGAGCGGGGCTTCCGCGCCGGGGACCTCCGCTACCCGACC[C>T]ACTTTCTCAGCACCAACTCTGTCCTTGCCTCTGTCACAGCCTCGCTCAAGGAGCACCCCC-3'